The following is an entry in ClinVar:

NM_032119.4(ADGRV1):c.18138del (p.Ile6047fs)

Gene: ADGRV1 (adhesion G protein-coupled receptor V1; plus strand). Cytogenetic location: 5q14.3.
Variant type: Deletion.
Coding change: c.18138del on transcript NM_032119.4 (MANE Select); coding-DNA position 18138, one base deleted (C; older notation c.18138delC).
Protein change: p.Ile6047fs; shifts the reading frame from isoleucine 6047.
Molecular consequence: frameshift variant. On other transcripts: non-coding transcript variant (1).
Genome position (GRCh38, 1-based): chr5:90,985,508, C deleted. VCF-style (leftmost placement, unchanged base first): chr5-90985507-TC-T. GRCh37 (hg19) VCF-style: chr5-90281324-TC-T.
Other names: short protein forms I6047fs.
Identifiers: ClinVar variation 1426788 (VCV001426788.6), dbSNP rs2151049768, ClinGen allele CA2573140102.
Genomic context (GRCh38, chr5:90,985,507, plus strand): 5'-TTCTCCTCATAGTTATTTTGAAAGGAATCTATCATCAGAGCATGTCACAGATCTATGGAC[TC>T]ATTCATGGTGACCTGTAAGTACACCCAGGCAACACATTGCCCTAGCTTTCATGTACCTAA-3'

ClinVar aggregate classification (germline): Pathogenic (1 of 4 stars; one submission).

Submission:

Labcorp Genetics (formerly Invitae), Labcorp
Classification: Pathogenic. Last evaluated: 2021-04-10. Review status: criteria provided, single submitter. Criteria: Invitae Variant Classification Sherloc (09022015). Collection method: clinical testing. Allele origin: germline.
Comment: For these reasons, this variant has been classified as Pathogenic. This variant has not been reported in the literature in individuals with ADGRV1-related conditions. This variant is not present in population databases (ExAC no frequency). This sequence change creates a premature translational stop signal (p.Ile6047Phefs*23) in the ADGRV1 gene. It is expected to result in an absent or disrupted protein product. Loss-of-function variants in ADGRV1 are known to be pathogenic (PMID: 19357117, 22135276, 22147658, 26667666, 30029497).

Literature cited by the submitters: PubMed 19357117; PubMed 22135276; PubMed 22147658; PubMed 26667666; PubMed 30029497.